The following is an entry in ClinVar:

NM_003718.5(CDK13):c.2341AAG[1] (p.Lys782del)

Gene: CDK13 (cyclin dependent kinase 13; plus strand). Cytogenetic location: 7p14.1.
Variant type: Microsatellite.
Coding change: c.2341AAG[1] on transcript NM_003718.5 (MANE Select); one copy of the 3-base unit AAG starting at c.2341; the reference has two copies in a row; one copy, 3 bases deleted.
Protein change: p.Lys782del; deletes lysine 782.
Molecular consequence: inframe indel (on NM_031267.4).
Genome position (GRCh38, 1-based): chr7:40,002,022-40,002,024, AAG deleted; deleting any 3 consecutive bases within chr7:40,002,019-40,002,024 gives the same sequence; the position shown is the placement nearest the transcript's 3' end. VCF-style (leftmost placement, unchanged base first): chr7-40002018-CAAG-C. GRCh37 (hg19) VCF-style: chr7-40041617-CAAG-C.
Other names: c.2341_2343AAG[1], p.Lys782del (NM_031267.4); short protein forms K782del.
Identifiers: ClinVar variation 3342957 (VCV003342957.1).

ClinVar aggregate classification (germline): Uncertain significance (1 of 4 stars; one submission).

Submission:

GeneDx
Classification: Uncertain significance. Last evaluated: 2023-04-12. Review status: criteria provided, single submitter. Criteria: GeneDx Variant Classification Process June 2021. Collection method: clinical testing. Allele origin: germline. Affected: yes.
Comment: In-frame deletion of 1 amino acids in a non-repeat region; Not observed at significant frequency in large population cohorts (gnomAD); In silico analysis supports a deleterious effect on protein structure/function; Has not been previously published as pathogenic or benign to our knowledge